The following is an entry in ClinVar:

ClinVar aggregate classification (germline): Uncertain significance (1 of 4 stars; one submission).

Submission:

Labcorp Genetics (formerly Invitae), Labcorp
Classification: Uncertain significance. Last evaluated: 2025-12-31. Review status: criteria provided, single submitter. Criteria: Invitae Variant Classification Sherloc (09022015). Collection method: clinical testing. Allele origin: germline.
Comment: This sequence change replaces arginine, which is basic and polar, with glycine, which is neutral and non-polar, at codon 3305 of the HUWE1 protein (p.Arg3305Gly). This variant is not present in population databases (gnomAD no frequency). This variant has not been reported in the literature in individuals affected with HUWE1-related conditions. Invitae Evidence Modeling of protein sequence and biophysical properties (such as structural, functional, and spatial information, amino acid conservation, physicochemical variation, residue mobility, and thermodynamic stability) has been performed for this missense variant. However, the output from this modeling did not meet the statistical confidence thresholds required to predict the impact of this variant on HUWE1 protein function. In summary, the available evidence is currently insufficient to determine the role of this variant in disease. Therefore, it has been classified as a Variant of Uncertain Significance.

NM_031407.7(HUWE1):c.9913C>G (p.Arg3305Gly)

Gene: HUWE1 (HECT, UBA and WWE domain containing E3 ubiquitin protein ligase 1; minus strand). Cytogenetic location: Xp11.22.
Variant type: single nucleotide variant.
Coding change: c.9913C>G on transcript NM_031407.7 (MANE Select); coding-DNA position 9913, C replaced by G.
Protein change: p.Arg3305Gly; replaces arginine 3305 with glycine.
Molecular consequence: missense variant.
Genome position (GRCh38, 1-based): chrX:53,549,081, G>C on the plus strand (C>G on the coding strand, the complement: HUWE1 is on the minus strand). VCF-style: chrX-53549081-G-C. GRCh37 (hg19) VCF-style: chrX-53576042-G-C.
Other names: c.9910C>G, p.Arg3304Gly (NM_001441048.1, NM_001441051.1, NM_001441053.1 and 2 more transcripts); c.9913C>G, p.Arg3305Gly (NM_001441049.1, NM_001441054.1, NM_001441057.1); c.9934C>G, p.Arg3312Gly (NM_001441050.1, NM_001441055.1); c.9511C>G, p.Arg3171Gly (NM_001441052.1); short protein forms R3171G, R3304G, R3305G, R3312G.
Identifiers: ClinVar variation 4801041 (VCV004801041.1).